The following is an entry in ClinVar:

NM_007294.4(BRCA1):c.3247A>G (p.Met1083Val)

Genes: BRCA1 (BRCA1 DNA repair associated; minus strand), LOC126862571 (BRD4-independent group 4 enhancer GRCh37_chr17:41243136-41244335; plus strand). Cytogenetic location: 17q21.31.
Variant type: single nucleotide variant.
Coding change: c.3247A>G on transcript NM_007294.4 (MANE Select); coding-DNA position 3247, A replaced by G.
Protein change: p.Met1083Val; replaces methionine 1083 with valine.
Molecular consequence: missense variant. On other transcripts: intron variant (137).
Genome position (GRCh38, 1-based): chr17:43,092,284, T>C on the plus strand (A>G on the coding strand, the complement: BRCA1 is on the minus strand). VCF-style: chr17-43092284-T-C. GRCh37 (hg19) VCF-style: chr17-41244301-T-C.
Other names: c.3034A>G, p.Met1012Val (NM_001407571.1, NM_001407853.1, NM_001407894.1 and 9 more transcripts); c.3247A>G, p.Met1083Val (NM_001407581.1, NM_001407582.1, NM_001407583.1 and 30 more transcripts); c.3244A>G, p.Met1082Val (NM_001407587.1, NM_001407590.1, NM_001407591.1 and 22 more transcripts); c.3238A>G, p.Met1080Val (NM_001407646.1, NM_001407647.1); c.3124A>G, p.Met1042Val (NM_001407648.1, NM_001407664.1, NM_001407665.1 and 19 more transcripts); c.3121A>G, p.Met1041Val (NM_001407649.1, NM_001407670.1, NM_001407671.1 and 11 more transcripts); c.3169A>G, p.Met1057Val (NM_001407653.1, NM_001407654.1, NM_001407655.1 and 4 more transcripts); c.3166A>G, p.Met1056Val (NM_001407659.1, NM_001407660.1, NM_001407661.1 and 1 more transcripts); and 41 more; short protein forms M1083V, M1036V, M1012V, M1013V, M1035V, M1080V, M915V, M956V.
Identifiers: ClinVar variation 185061 (VCV000185061.33), dbSNP rs397507213, ClinGen allele CA002099.
Genomic context (GRCh38, chr17:43,092,284, plus strand): 5'-AATTACTTCCAGGAAGACTTTGTTTATAGACCTCAGGTTGCAAAACCCCTAATCTAAGCA[T>C]AGCATTCAATTTTGGCCCTCTGTTTCTACCTAGTTCTGCTTGAATGTTTTCATCACTGGA-3'
Protein context (NP_009225.1, residues 1073-1093): GRNRGPKLNA[Met1083Val]LRLGVLQPEV

ClinVar aggregate classification (germline): Conflicting classifications of pathogenicity. Review status: criteria provided, conflicting classifications (1 of 4 stars). 9 submissions from 9 submitters: Uncertain significance (6); Likely benign (2). 1 of the submissions does not count toward it. Last evaluated 2025-11-09.

Conditions:
BRCA1-related cancer predisposition. Identifiers: MedGen CN377757, MONDO:0700268.
Hereditary cancer-predisposing syndrome. Also called: Hereditary neoplastic syndrome; Neoplastic Syndromes, Hereditary; Tumor predisposition; Hereditary Cancer Syndrome. Identifiers: Orphanet 140162, MedGen C0027672, MeSH D009386, MONDO:0015356.
Hereditary breast ovarian cancer syndrome. Also called: Hereditary breast and ovarian cancer syndrome (HBOC); Breast and ovarian cancer; Hereditary breast and/or ovarian cancer syndrome; BRCA1- and BRCA2-Associated Hereditary Breast and Ovarian Cancer; Hereditary breast and ovarian cancer syndrome; Hereditary breast and ovarian cancer. Identifiers: Orphanet 145, MedGen C0677776, MeSH D061325, MONDO:0003582. Disease mechanism: loss of function.
Malignant tumor of breast. Also called: Malignant breast neoplasm; Cancer breast. Identifiers: MedGen C0006142, MONDO:0007254. Disease mechanism: loss of function.

Submissions (9):

Labcorp Genetics (formerly Invitae), Labcorp
Classification: Uncertain significance for Hereditary breast ovarian cancer syndrome. Last evaluated: 2025-11-09. Review status: criteria provided, single submitter. Criteria: Invitae Variant Classification Sherloc (09022015). Collection method: clinical testing. Allele origin: germline.
Comment: This sequence change replaces methionine, which is neutral and non-polar, with valine, which is neutral and non-polar, at codon 1083 of the BRCA1 protein (p.Met1083Val). This variant is not present in population databases (gnomAD no frequency). This missense change has been observed in individual(s) with breast cancer (PMID: 19996028). This variant is also known as 3366A>G. ClinVar contains an entry for this variant (Variation ID: 185061). Invitae Evidence Modeling of protein sequence and biophysical properties (such as structural, functional, and spatial information, amino acid conservation, physicochemical variation, residue mobility, and thermodynamic stability) indicates that this missense variant is not expected to disrupt BRCA1 protein function with a negative predictive value of 80%. In summary, the available evidence is currently insufficient to determine the role of this variant in disease. Therefore, it has been classified as a Variant of Uncertain Significance.

Institute for Biomarker Research, Medical Diagnostic Laboratories, L.L.C.
Classification: Uncertain significance for Hereditary breast ovarian cancer syndrome. Last evaluated: 2025-02-25. Review status: criteria provided, single submitter. Criteria: ACMG Guidelines, 2015. Collection method: clinical testing. Allele origin: germline.
Comment: The missense variant NM_007294.4(BRCA1):c.3247A>G (p.Met1083Val) has not been reported previously as a pathogenic variant, to our knowledge. There is a small physicochemical difference between methionine and valine, which is not likely to impact secondary protein structure as these residues share similar properties.The p.Met1083Val variant is not predicted to introduce a novel splice site by any splice site algorithm. For these reasons, this variant has been classified as Uncertain Significance

All of Us Research Program, National Institutes of Health
Classification: Uncertain significance for BRCA1-related cancer predisposition. Last evaluated: 2024-08-30. Review status: criteria provided, single submitter. Criteria: ACMG Guidelines, 2015. Collection method: clinical testing. Allele origin: germline. Inheritance: Autosomal dominant inheritance. Observed: 2 variant alleles, 2 heterozygotes.
Comment: This missense variant replaces methionine with valine at codon 1083 of the BRCA1 protein. Computational prediction suggests that this variant may not impact protein structure and function (internally defined REVEL score threshold <= 0.5, PMID: 27666373). To our knowledge, functional studies have not been reported for this variant. This variant has been reported in at least one individual affected with breast cancer (PMID: 19996028, 33471991) and an individual with personal or family history of breast, ovarian or related cancer (PMID: 35753294). This variant has not been identified in the general population by the Genome Aggregation Database (gnomAD). The available evidence is insufficient to determine the role of this variant in disease conclusively. Therefore, this variant is classified as a Variant of Uncertain Significance.

This study involves interpretation of variants in research participants for the purpose of population health screening. Participant phenotype was not available at the time of variant classification. Additional details can be found in publication PMID: 35346344, PMCID: PMC8962531

Color Diagnostics, LLC DBA Color Health
Classification: Uncertain significance for Hereditary cancer-predisposing syndrome. Last evaluated: 2024-08-06. Review status: criteria provided, single submitter. Criteria: ACMG Guidelines, 2015. Collection method: clinical testing. Allele origin: germline.
Comment: This missense variant replaces methionine with valine at codon 1083 of the BRCA1 protein. Computational prediction suggests that this variant may not impact protein structure and function. To our knowledge, functional studies have not been reported for this variant. This variant has been reported in at least one individual affected with breast cancer (PMID: 19996028, 33471991) and an individual with personal or family history of breast, ovarian or related cancer (PMID: 35753294). This variant has not been identified in the general population by the Genome Aggregation Database (gnomAD). The available evidence is insufficient to determine the role of this variant in disease conclusively. Therefore, this variant is classified as a Variant of Uncertain Significance.

Women's Health and Genetics/Laboratory Corporation of America, LabCorp
Classification: Uncertain significance. Last evaluated: 2024-06-24. Review status: criteria provided, single submitter. Criteria: LabCorp Variant Classification Summary - May 2015. Collection method: clinical testing. Allele origin: germline.
Comment: Variant summary: BRCA1 c.3247A>G (p.Met1083Val) results in a conservative amino acid change in the encoded protein sequence. Four of four in-silico tools predict a benign effect of the variant on protein function. The variant was absent in 250484 control chromosomes. The available data on variant occurrences in the general population are insufficient to allow any conclusion about variant significance .c.3247A>G has been reported in the literature in individuals affected with BRCA1-related cancers (e.g. Alkhalaf_2010, Oktay_2010, Dorling_2021, Bisgin_2022). However, these report(s) do not provide unequivocal conclusions about association of the variant with Hereditary Breast And Ovarian Cancer Syndrome. Co-occurrences with other pathogenic variant(s) have been reported (BRCA2 c.9097dupA, p.3033fs*11), providing supporting evidence for a benign role (Bisgin_2022). To our knowledge, no experimental evidence demonstrating an impact on protein function has been reported. The following publications have been ascertained in the context of this evaluation (PMID: 35753294, 33471991, 19996028). ClinVar contains an entry for this variant (Variation ID: 185061). Based on the evidence outlined above, the variant was classified as uncertain significance.

University of Washington Department of Laboratory Medicine, University of Washington
Classification: Likely benign for Hereditary cancer-predisposing syndrome. Last evaluated: 2023-03-23. Review status: criteria provided, single submitter. Criteria: Dines et al. (Genet Med. 2020). Collection method: curation. Allele origin: germline.
Comment: Missense variant in a coldspot region where missense variants are very unlikely to be pathogenic (PMID:31911673).

BRCA1 coldspot (exon 11 using historical exon numbering). Reclassification based on statistical prior probability

GeneDx
Classification: Uncertain significance. Last evaluated: 2022-12-21. Review status: criteria provided, single submitter. Criteria: GeneDx Variant Classification Process June 2021. Collection method: clinical testing. Allele origin: germline. Affected: yes.
Comment: Observed in individuals with BRCA1-related cancer (Oktay et al., 2010; Bisgin et al., 2022); Not observed at significant frequency in large population cohorts (gnomAD); In silico analysis supports that this missense variant does not alter protein structure/function; Also known as 3366A>G; This variant is associated with the following publications: (PMID: 28726806, 18092194, 32377563, 29884841, 35753294, 31131967, 33471991, 19996028)

Ambry Genetics
Classification: Likely benign for Hereditary cancer-predisposing syndrome. Last evaluated: 2018-11-28. Review status: criteria provided, single submitter. Criteria: Ambry Variant Classification Scheme 2023. Collection method: clinical testing. Allele origin: germline.

Department of Pathology and Laboratory Medicine, Sinai Health System
Classification: Uncertain significance for Malignant tumor of breast. Review status: no assertion criteria provided. Collection method: clinical testing. Allele origin: unknown. Affected: yes. Study: The Canadian Open Genetics Repository (COGR). Not counted in ClinVar's aggregate classification.
Comment: The BRCA1, p.Met1083Val variant was not identified in the literature and was identified only in the ClinVar database (classified as an unclassified variant by the Ambry Genetics).The p.Met1083 residue is not conserved in mammals and computational analyses (PolyPhen-2, SIFT, AlignGVGD, BLOSUM, MutationTaster) do not suggest a high likelihood of impact to the protein. However, this information is not predictive enough to rule out pathogenicity. The variant occurs outside of the splicing consensus sequence and 1 of 5 in silico or computational prediction software programs (SpliceSiteFinder, MaxEntScan, NNSPLICE, GeneSplicer, HumanSpliceFinder) predict a greater than 10% difference in splicing; this is not very predictive of pathogenicity. In summary, based on the above information, the clinical significance of this variant cannot be determined with certainty at this time. This variant is classified as a variant of unknown significance.

Literature cited by the submitters: PubMed 19996028 (cited by 5 submitters); PubMed 33471991 (cited by 3 submitters); PubMed 35753294 (cited by 3 submitters); PubMed 18092194 (cited by Ambry Genetics).